The following is an entry in ClinVar:

ClinVar aggregate classification (germline): Uncertain significance (1 of 4 stars; one submission).

Conditions:
Intellectual developmental disorder, X-linked 1. Also called: MENTAL RETARDATION, X-LINKED 18; MENTAL RETARDATION, X-LINKED 78; Intellectual disability, X-linked 1; Atkin Flaitz Patil Smith syndrome. Identifiers: Orphanet 777, MedGen C2931498, MONDO:0010656, OMIM 309530.

Submission:

Labcorp Genetics (formerly Invitae), Labcorp
Classification: Uncertain significance for Intellectual developmental disorder, X-linked 1. Last evaluated: 2022-09-25. Review status: criteria provided, single submitter. Criteria: Invitae Variant Classification Sherloc (09022015). Collection method: clinical testing. Allele origin: germline.
Comment: Advanced modeling of protein sequence and biophysical properties (such as structural, functional, and spatial information, amino acid conservation, physicochemical variation, residue mobility, and thermodynamic stability) performed at Invitae indicates that this missense variant is not expected to disrupt IQSEC2 protein function. This variant has not been reported in the literature in individuals affected with IQSEC2-related conditions. This variant is not present in population databases (gnomAD no frequency). This sequence change replaces lysine, which is basic and polar, with glutamic acid, which is acidic and polar, at codon 133 of the IQSEC2 protein (p.Lys133Glu). In summary, the available evidence is currently insufficient to determine the role of this variant in disease. Therefore, it has been classified as a Variant of Uncertain Significance.

NM_001111125.3(IQSEC2):c.397A>G (p.Lys133Glu)

Gene: IQSEC2 (IQ motif and Sec7 domain ArfGEF 2; minus strand). Cytogenetic location: Xp11.22.
Variant type: single nucleotide variant.
Coding change: c.397A>G on transcript NM_001111125.3 (MANE Select); coding-DNA position 397, A replaced by G.
Protein change: p.Lys133Glu; replaces lysine 133 with glutamic acid.
Molecular consequence: missense variant.
Genome position (GRCh38, 1-based): chrX:53,320,727, T>C on the plus strand (A>G on the coding strand, the complement: IQSEC2 is on the minus strand). VCF-style: chrX-53320727-T-C. GRCh37 (hg19) VCF-style: chrX-53349925-T-C.
Other names: c.397A>G, p.Lys133Glu (NM_001410736.1); short protein forms K133E.
Identifiers: ClinVar variation 1720316 (VCV001720316.6), dbSNP rs2520590899, ClinGen allele CA413239438.